The following is an entry in ClinVar:

NM_006431.3(CCT2):c.382G>A (p.Ala128Thr)

Gene: CCT2 (chaperonin containing TCP1 subunit 2; plus strand). Cytogenetic location: 12q15.
Variant type: single nucleotide variant.
Coding change: c.382G>A on transcript NM_006431.3 (MANE Select); coding-DNA position 382, G replaced by A.
Protein change: p.Ala128Thr; replaces alanine 128 with threonine.
Molecular consequence: missense variant.
Genome position (GRCh38, 1-based): chr12:69,588,198, G>A. VCF-style: chr12-69588198-G-A. GRCh37 (hg19) VCF-style: chr12-69981978-G-A.
Other names: c.241G>A, p.Ala81Thr (NM_001198842.2); c.382G>A (NM_006431.2); short protein forms A128T, A81T.
Identifiers: ClinVar variation 2982515 (VCV002982515.4), dbSNP rs2498991638, ClinGen allele CA385724990.

ClinVar aggregate classification (germline): Uncertain significance. Review status: criteria provided, multiple submitters, no conflicts (2 of 4 stars). 2 submissions from 2 submitters: Uncertain significance (2). Last evaluated 2024-12-09.

Submissions (2):

Labcorp Genetics (formerly Invitae), Labcorp
Classification: Uncertain significance. Last evaluated: 2024-12-09. Review status: criteria provided, single submitter. Criteria: Invitae Variant Classification Sherloc (09022015). Collection method: clinical testing. Allele origin: germline.
Comment: This sequence change replaces alanine, which is neutral and non-polar, with threonine, which is neutral and polar, at codon 128 of the CCT2 protein (p.Ala128Thr). This variant is not present in population databases (gnomAD no frequency). This variant has not been reported in the literature in individuals affected with CCT2-related conditions. ClinVar contains an entry for this variant (Variation ID: 2982515). An algorithm developed to predict the effect of missense changes on protein structure and function (PolyPhen-2) suggests that this variant is likely to be tolerated. In summary, the available evidence is currently insufficient to determine the role of this variant in disease. Therefore, it has been classified as a Variant of Uncertain Significance.

Ambry Genetics
Classification: Uncertain significance. Last evaluated: 2024-02-27. Review status: criteria provided, single submitter. Criteria: Ambry Variant Classification Scheme 2023. Collection method: clinical testing. Allele origin: germline.